The following is an entry in ClinVar:

NM_032043.3(BRIP1):c.2573C>T (p.Ser858Phe)

Gene: BRIP1 (BRCA1 interacting DNA helicase 1; minus strand). Cytogenetic location: 17q23.2.
Variant type: single nucleotide variant.
Coding change: c.2573C>T on transcript NM_032043.3 (MANE Select); coding-DNA position 2573, C replaced by T.
Protein change: p.Ser858Phe; replaces serine 858 with phenylalanine.
Molecular consequence: missense variant.
Genome position (GRCh38, 1-based): chr17:61,693,432, G>A on the plus strand (C>T on the coding strand, the complement: BRIP1 is on the minus strand). VCF-style: chr17-61693432-G-A. GRCh37 (hg19) VCF-style: chr17-59770793-G-A.
Other names: short protein forms S858F.
Identifiers: ClinVar variation 419471 (VCV000419471.8), dbSNP rs1064793893, ClinGen allele CA16620515.
Genomic context (GRCh38, chr17:61,693,432, plus strand): 5'-ACAATAAAAATATGAAGATTGTTACTAGTTTTTACTCTAAGCCCAGCTGAGATCTTACCA[G>A]ATATATAGCGACTTGGGTTATTCCTAAAGCGATCATCCACTAGAATAAGAGCTCCCCAAT-3'
Protein context (NP_114432.2, residues 848-868): RFRNNPSRYI[Ser858Phe]GLSKWVRQQI

ClinVar aggregate classification (germline): Uncertain significance. Review status: criteria provided, multiple submitters, no conflicts (2 of 4 stars). 5 submissions from 5 submitters: Uncertain significance (5). Last evaluated 2024-06-12.

Conditions:
Hereditary cancer-predisposing syndrome. Also called: Hereditary neoplastic syndrome; Hereditary Cancer Syndrome; Neoplastic Syndromes, Hereditary; Tumor predisposition. Identifiers: Orphanet 140162, MedGen C0027672, MeSH D009386, MONDO:0015356.
Fanconi anemia complementation group J. Also called: BRIP1-Related Fanconi Anemia. Identifiers: Orphanet 84, MedGen C1836860, MONDO:0012187, OMIM 609054.
Familial cancer of breast. Also called: hereditary breast carcinoma; Hereditary breast cancer; BREAST CANCER, FAMILIAL. Identifiers: Orphanet 227535, MedGen C0346153, MONDO:0016419, OMIM 114480. Disease mechanism: loss of function.

Submissions (5):

Ambry Genetics
Classification: Uncertain significance for Hereditary cancer-predisposing syndrome. Last evaluated: 2024-06-12. Review status: criteria provided, single submitter. Criteria: Ambry Variant Classification Scheme 2023. Collection method: clinical testing. Allele origin: germline.
Comment: The p.S858F variant (also known as c.2573C>T), located in coding exon 17 of the BRIP1 gene, results from a C to T substitution at nucleotide position 2573. The serine at codon 858 is replaced by phenylalanine, an amino acid with highly dissimilar properties. This amino acid position is conserved. In addition, this alteration is predicted to be deleterious by in silico analysis. Based on the available evidence, the clinical significance of this variant remains unclear.

Labcorp Genetics (formerly Invitae), Labcorp
Classification: Uncertain significance for Familial cancer of breast; Fanconi anemia complementation group J. Last evaluated: 2024-05-31. Review status: criteria provided, single submitter. Criteria: Invitae Variant Classification Sherloc (09022015). Collection method: clinical testing. Allele origin: germline.
Comment: This sequence change replaces serine, which is neutral and polar, with phenylalanine, which is neutral and non-polar, at codon 858 of the BRIP1 protein (p.Ser858Phe). This variant is not present in population databases (gnomAD no frequency). This variant has not been reported in the literature in individuals affected with BRIP1-related conditions. ClinVar contains an entry for this variant (Variation ID: 419471). An algorithm developed to predict the effect of missense changes on protein structure and function (PolyPhen-2) suggests that this variant is likely to be tolerated. In summary, the available evidence is currently insufficient to determine the role of this variant in disease. Therefore, it has been classified as a Variant of Uncertain Significance.

Color Diagnostics, LLC DBA Color Health
Classification: Uncertain significance for Hereditary cancer-predisposing syndrome. Last evaluated: 2020-11-24. Review status: criteria provided, single submitter. Criteria: ACMG Guidelines, 2015. Collection method: clinical testing. Allele origin: germline.
Comment: This missense variant replaces serine with phenylalanine at codon 858 of the BRIP1 protein. Computational prediction suggests that this variant may have deleterious impact on protein structure and function (internally defined REVEL score threshold >= 0.7, PMID: 27666373). To our knowledge, functional studies have not been reported for this variant. This variant has not been reported in individuals affected with hereditary cancer in the literature. This variant has not been identified in the general population by the Genome Aggregation Database (gnomAD). The available evidence is insufficient to determine the role of this variant in disease conclusively. Therefore, this variant is classified as a Variant of Uncertain Significance.

Women's Health and Genetics/Laboratory Corporation of America, LabCorp
Classification: Uncertain significance. Last evaluated: 2019-06-17. Review status: criteria provided, single submitter. Criteria: LabCorp Variant Classification Summary - May 2015. Collection method: clinical testing. Allele origin: germline.
Comment: Variant summary: BRIP1 c.2573C>T (p.Ser858Phe) results in a non-conservative amino acid change located in the ATP-dependent helicase domain (IPR006555) of the encoded protein sequence. Five of five in-silico tools predict a damaging effect of the variant on protein function. The variant was absent in 251296 control chromosomes. The available data on variant occurrences in the general population are insufficient to allow any conclusion about variant significance. To our knowledge, no occurrence of c.2573C>T in individuals affected with Hereditary Breast and Ovarian Cancer and no experimental evidence demonstrating its impact on protein function have been reported. A ClinVar submission from a clinical diagnostic laboratory (evaluation after 2014) cites the variant as uncertain significance. Based on the evidence outlined above, the variant was classified as uncertain significance.

GeneDx
Classification: Uncertain significance. Last evaluated: 2015-07-20. Review status: criteria provided, single submitter. Criteria: GeneDx Variant Classification (06012015). Collection method: clinical testing. Allele origin: germline. Affected: yes.
Comment: This variant is denoted BRIP1 c.2573C>T at the cDNA level, p.Ser858Phe (S858F) at the protein level, and results in the change of a Serine to a Phenylalanine (TCT>TTT). This variant has not, to our knowledge, been published in the literature as pathogenic or benign. BRIP1 Ser858Phe was not observed in approximately 6,500 individuals of European and African American ancestry in the NHLBI Exome Sequencing Project, indicating it is not a common benign variant in these populations. Since Serine and Phenylalanine differ in polarity, charge, size or other properties, this is considered a non-conservative amino acid substitution. BRIP1 Ser858Phe occurs at a position that is conserved in mammals and is located in the helicase domain (Cantor 2011). In silico analyses predict that this variant is probably damaging to protein structure and function. Based on currently available information, it is unclear whether BRIP1 Ser858Phe is pathogenic or benign. We consider it to be a variant of uncertain significance.